The following is an entry in ClinVar:

ClinVar aggregate classification (germline): Pathogenic (1 of 4 stars; one submission).

Conditions:
Early-infantile DEE. Also called: Early infantile epileptic encephalopathy; Ohtahara syndrome; Early infantile epileptic encephalopathy with suppression bursts. Identifiers: Orphanet 1934, MedGen C0393706, MONDO:0800491.

Submission:

Labcorp Genetics (formerly Invitae), Labcorp
Classification: Pathogenic for Early-infantile DEE. Last evaluated: 2023-01-28. Review status: criteria provided, single submitter. Criteria: Invitae Variant Classification Sherloc (09022015). Collection method: clinical testing. Allele origin: germline.
Comment: This sequence change replaces proline, which is neutral and non-polar, with leucine, which is neutral and non-polar, at codon 1838 of the SCN1A protein (p.Pro1838Leu). This variant is not present in population databases (gnomAD no frequency). This missense change has been observed in individual(s) with Dravet syndrome (PMID: 29142202). In at least one individual the variant was observed to be de novo. Advanced modeling of protein sequence and biophysical properties (such as structural, functional, and spatial information, amino acid conservation, physicochemical variation, residue mobility, and thermodynamic stability) performed at Invitae indicates that this missense variant is expected to disrupt SCN1A protein function. For these reasons, this variant has been classified as Pathogenic.

Literature cited by the submitters: PubMed 29142202.

NM_001165963.4(SCN1A):c.5513C>T (p.Pro1838Leu)

Genes: SCN1A (sodium voltage-gated channel alpha subunit 1; minus strand), LOC102724058 (uncharacterized LOC102724058; plus strand). Cytogenetic location: 2q24.3.
Variant type: single nucleotide variant.
Coding change: c.5513C>T on transcript NM_001165963.4 (MANE Select); coding-DNA position 5513, C replaced by T.
Protein change: p.Pro1838Leu; replaces proline 1838 with leucine.
Molecular consequence: missense variant. On other transcripts: non-coding transcript variant (1).
Genome position (GRCh38, 1-based): chr2:165,991,762, G>A on the plus strand (C>T on the coding strand, the complement: SCN1A is on the minus strand). VCF-style: chr2-165991762-G-A. GRCh37 (hg19) VCF-style: chr2-166848272-G-A.
Other names: c.5480C>T, p.Pro1827Leu (NM_001353949.2, NM_001353950.2, NM_001353951.2 and 2 more transcripts); c.5477C>T, p.Pro1826Leu (NM_001353954.2, NM_001353955.2); c.5429C>T, p.Pro1810Leu (NM_001353957.2, NM_001353958.2, NM_001165964.3); c.5426C>T, p.Pro1809Leu (NM_001353960.2); c.3071C>T, p.Pro1024Leu (NM_001353961.2); c.5513C>T, p.Pro1838Leu (NM_001202435.3, NM_001353948.2); short protein forms P1024L, P1826L, P1827L, P1838L, P1809L, P1810L.
Identifiers: ClinVar variation 2910145 (VCV002910145.3), dbSNP rs1553520084, ClinGen allele CA349065656.